The following is an entry in ClinVar:

ClinVar aggregate classification (germline): Likely pathogenic (1 of 4 stars; one submission).

Conditions:
Primary ciliary dyskinesia. Also called: Ciliary dyskinesia. Identifiers: Orphanet 244, MedGen C0008780, MONDO:0016575, HP:0012265.

Submission:

Labcorp Genetics (formerly Invitae), Labcorp
Classification: Likely pathogenic for Primary ciliary dyskinesia. Last evaluated: 2023-08-19. Review status: criteria provided, single submitter. Criteria: Invitae Variant Classification Sherloc (09022015). Collection method: clinical testing. Allele origin: germline.
Comment: In summary, the currently available evidence indicates that the variant is pathogenic, but additional data are needed to prove that conclusively. Therefore, this variant has been classified as Likely Pathogenic. Algorithms developed to predict the effect of sequence changes on RNA splicing suggest that this variant may disrupt the consensus splice site. This variant has not been reported in the literature in individuals affected with DNAH5-related conditions. This variant is not present in population databases (gnomAD no frequency). This sequence change affects an acceptor splice site in intron 72 of the DNAH5 gene. It is expected to disrupt RNA splicing. Variants that disrupt the donor or acceptor splice site typically lead to a loss of protein function (PMID: 16199547), and loss-of-function variants in DNAH5 are known to be pathogenic (PMID: 11788826, 16627867).

Literature cited by the submitters: PubMed 16199547; PubMed 11788826; PubMed 16627867.

NM_001369.3(DNAH5):c.12500-2A>G

Gene: DNAH5 (dynein axonemal heavy chain 5; minus strand). Cytogenetic location: 5p15.2.
Variant type: single nucleotide variant.
Coding change: c.12500-2A>G on transcript NM_001369.3 (MANE Select); the canonical splice acceptor site of the intron before coding-DNA position 12500, A replaced by G.
Molecular consequence: splice acceptor variant.
Genome position (GRCh38, 1-based): chr5:13,717,522, T>C on the plus strand (A>G on the coding strand, the complement: DNAH5 is on the minus strand). VCF-style: chr5-13717522-T-C. GRCh37 (hg19) VCF-style: chr5-13717631-T-C.
Identifiers: ClinVar variation 2753988 (VCV002753988.3), dbSNP rs2546512953, ClinGen allele CA359208543.
Genomic context (GRCh38, chr5:13,717,522, plus strand): 5'-GTACAGCATGGGCTTCCACTGGGACCCAGAGCTCACGTCCAGCAGGTCTTGGCTGACACC[T>C]GTTGTGGTCAGTTGGGTGAAAAATGTATCATCTCTCAAATGTCTTTATTTTCTACTACTT-3'